The following is an entry in ClinVar:

ClinVar aggregate classification (germline): Uncertain significance. Review status: criteria provided, multiple submitters, no conflicts (2 of 4 stars). 3 submissions from 3 submitters: Uncertain significance (3). Last evaluated 2024-12-02.

Conditions:
Fanconi anemia (FA). Also called: Fanconi's anemia. Identifiers: Orphanet 84, MedGen C0015625, MeSH D005199, MONDO:0019391.
Inborn genetic diseases. Identifiers: MedGen C0950123, MeSH D030342.

Allele frequency attached by ClinVar (database versions not stated): gnomAD exomes below 0.00001; TOPMed below 0.00001; gnomAD 0.00001.
gnomAD v4.1: 5 of 1,607,092 alleles (0.00031%); highest among the groups gnomAD compares: Non-Finnish European, 0.00034%; no homozygotes.

Submissions (3):

Ambry Genetics
Classification: Uncertain significance for Inborn genetic diseases. Last evaluated: 2024-12-02. Review status: criteria provided, single submitter. Criteria: Ambry Variant Classification Scheme 2023. Collection method: clinical testing. Allele origin: germline.
Comment: The p.W171R variant (also known as c.511T>C), located in coding exon 5 of the FANCA gene, results from a T to C substitution at nucleotide position 511. The tryptophan at codon 171 is replaced by arginine, an amino acid with dissimilar properties. This amino acid position is conserved. In addition, this alteration is predicted to be tolerated by in silico analysis. Based on the available evidence, the clinical significance of this variant remains unclear.

Labcorp Genetics (formerly Invitae), Labcorp
Classification: Uncertain significance for Fanconi anemia. Last evaluated: 2023-11-19. Review status: criteria provided, single submitter. Criteria: Invitae Variant Classification Sherloc (09022015). Collection method: clinical testing. Allele origin: germline.
Comment: This sequence change replaces tryptophan, which is neutral and slightly polar, with arginine, which is basic and polar, at codon 171 of the FANCA protein (p.Trp171Arg). This variant is present in population databases (no rsID available, gnomAD 0.0009%). This variant has not been reported in the literature in individuals affected with FANCA-related conditions. ClinVar contains an entry for this variant (Variation ID: 1982216). Advanced modeling of protein sequence and biophysical properties (such as structural, functional, and spatial information, amino acid conservation, physicochemical variation, residue mobility, and thermodynamic stability) has been performed at Invitae for this missense variant, however the output from this modeling did not meet the statistical confidence thresholds required to predict the impact of this variant on FANCA protein function. In summary, the available evidence is currently insufficient to determine the role of this variant in disease. Therefore, it has been classified as a Variant of Uncertain Significance.

Blueprint Genetics
Classification: Uncertain significance. Last evaluated: 2021-10-22. Review status: criteria provided, single submitter. Criteria: ACMG Guidelines, 2015. Collection method: clinical testing. Allele origin: germline.

NM_000135.4(FANCA):c.511T>C (p.Trp171Arg)

Gene: FANCA (FA complementation group A; minus strand). Cytogenetic location: 16q24.3.
Variant type: single nucleotide variant.
Coding change: c.511T>C on transcript NM_000135.4 (MANE Select); coding-DNA position 511, T replaced by C.
Protein change: p.Trp171Arg; replaces tryptophan 171 with arginine.
Molecular consequence: missense variant. On other transcripts: intron variant (1).
Genome position (GRCh38, 1-based): chr16:89,810,718, A>G on the plus strand (T>C on the coding strand, the complement: FANCA is on the minus strand). VCF-style: chr16-89810718-A-G. GRCh37 (hg19) VCF-style: chr16-89877126-A-G.
Other names: c.511T>C, p.Trp171Arg (NM_001018112.3, NM_001286167.3); c.426+211T>C (NM_001351830.2); short protein forms W171R.
Identifiers: ClinVar variation 1982216 (VCV001982216.4), dbSNP rs868209851, ClinGen allele CA286608135.